The following is an entry in ClinVar:

NM_006767.4(LZTR1):c.2403dup (p.Lys802fs)

Gene: LZTR1 (leucine zipper like post translational regulator 1; plus strand). Cytogenetic location: 22q11.21.
Variant type: Duplication.
Coding change: c.2403dup on transcript NM_006767.4 (MANE Select); coding-DNA position 2403, one base duplicated (C; older notation c.2403dupC).
Protein change: p.Lys802fs; shifts the reading frame from lysine 802.
Molecular consequence: frameshift variant.
Genome position (GRCh38, 1-based): chr22:20,996,963, C duplicated; the last of 2 consecutive C bases (chr22:20,996,962-20,996,963); duplicating either gives the same sequence. VCF-style (leftmost placement, unchanged base first): chr22-20996961-A-AC. GRCh37 (hg19) VCF-style: chr22-21351250-A-AC.
Other names: short protein forms K802fs.
Identifiers: ClinVar variation 1790764 (VCV001790764.5), dbSNP rs2518626174, ClinGen allele CA2580099327.

ClinVar aggregate classification (germline): Conflicting classifications of pathogenicity. Review status: criteria provided, conflicting classifications (1 of 4 stars). 2 submissions from 2 submitters: Pathogenic (1); Uncertain significance (1). Last evaluated 2025-09-24.

Conditions:
Hereditary cancer-predisposing syndrome. Also called: Hereditary Cancer Syndrome; Hereditary neoplastic syndrome; Tumor predisposition; Neoplastic Syndromes, Hereditary. Identifiers: Orphanet 140162, MedGen C0027672, MeSH D009386, MONDO:0015356.
Cardiovascular phenotype. Identifiers: MedGen CN230736.

Submissions (2):

Labcorp Genetics (formerly Invitae), Labcorp
Classification: Pathogenic. Last evaluated: 2025-09-24. Review status: criteria provided, single submitter. Criteria: Invitae Variant Classification Sherloc (09022015). Collection method: clinical testing. Allele origin: germline.
Comment: This sequence change is expected to alter the c-terminus of the LZTR1 protein (p.Lys802Glnfs*49). While this is not anticipated to result in nonsense mediated decay, it is expected to disrupt the last 39 amino acid(s) of the LZTR1 protein and extend the protein by 9 additional amino acid residues. This variant is not present in population databases (gnomAD no frequency). This variant has not been reported in the literature in individuals affected with LZTR1-related conditions. ClinVar contains an entry for this variant (Variation ID: 1790764). This variant disrupts a region of the LZTR1 protein in which other variant(s) (p.Leu806Trp) have been determined to be pathogenic (internal data). This suggests that this is a clinically significant region of the protein, and that variants that disrupt it are likely to be disease-causing. For these reasons, this variant has been classified as Pathogenic.

Ambry Genetics
Classification: Uncertain significance for Cardiovascular phenotype; Hereditary cancer-predisposing syndrome. Last evaluated: 2023-03-27. Review status: criteria provided, single submitter. Criteria: Ambry Variant Classification Scheme 2023. Collection method: clinical testing. Allele origin: germline.
Comment: The c.2403dupC variant, located in coding exon 20 of the LZTR1 gene, results from a duplication of C at nucleotide position 2403, causing a translational frameshift with a predicted alternate stop codon (p.K802Qfs*49). This alteration occurs at the 3' terminus of theLZTR1 gene, is not expected to trigger nonsense-mediated mRNAdecay and results in the elongation of the protein by 9 amino acids. This frameshift impacts the last 5%, 39 amino acids of the native protein. The exact functional effect of the altered amino acids is unknown. Since supporting evidence is limited at this time, the clinical significance of this alteration remains unclear.